The following is an entry in ClinVar:

NM_000642.3(AGL):c.36_37insCG (p.Asn13fs)

Gene: AGL (amylo-alpha-1,6-glucosidase and 4-alpha-glucanotransferase; plus strand). Cytogenetic location: 1p21.2.
Variant type: Insertion.
Coding change: c.36_37insCG on transcript NM_000642.3 (MANE Select); coding-DNA positions 36 to 37, CG inserted.
Protein change: p.Asn13fs; shifts the reading frame from asparagine 13.
Molecular consequence: frameshift variant.
Genome position: GRCh38 VCF-style: chr1-99851077-T-TGC. GRCh37 (hg19) VCF-style: chr1-100316633-T-TGC.
Other names: c.36_37insCG (NM_000642.2); c.36_37insCG, p.Asn13Argfs (NM_000028.3, NM_000643.3, NM_000644.3 and 6 more transcripts); c.-156_-155insCG (NM_000646.3); short protein forms N13fs.
Identifiers: ClinVar variation 1451136 (VCV001451136.7), dbSNP rs762545015, ClinGen allele CA965996.

ClinVar aggregate classification (germline): Pathogenic/Likely pathogenic. Review status: criteria provided, multiple submitters, no conflicts (2 of 4 stars). 2 submissions from 2 submitters: Pathogenic (1); Likely pathogenic (1). Last evaluated 2022-12-24.

Conditions:
Glycogen storage disease type III (GSD3). Also called: FORBES DISEASE; Cori disease. Identifiers: Orphanet 366, MedGen C0017922, MONDO:0009291, OMIM 232400.

Submissions (2):

Baylor Genetics
Classification: Likely pathogenic for Glycogen storage disease type III. Last evaluated: 2022-12-24. Review status: criteria provided, single submitter. Criteria: ACMG Guidelines, 2015. Collection method: clinical testing. Allele origin: unknown.

Labcorp Genetics (formerly Invitae), Labcorp
Classification: Pathogenic for Glycogen storage disease type III. Last evaluated: 2021-07-13. Review status: criteria provided, single submitter. Criteria: Invitae Variant Classification Sherloc (09022015). Collection method: clinical testing. Allele origin: germline.
Comment: For these reasons, this variant has been classified as Pathogenic. This variant has not been reported in the literature in individuals affected with AGL-related conditions. This variant is present in population databases (rs762545015, ExAC 0.01%). This sequence change creates a premature translational stop signal (p.Asn13Argfs*24) in the AGL gene. It is expected to result in an absent or disrupted protein product. Loss-of-function variants in AGL are known to be pathogenic (PMID: 19299494).

Literature cited by the submitters: PubMed 19299494 (cited by Labcorp Genetics (formerly Invitae), Labcorp).